The following is an entry in ClinVar:

ClinVar aggregate classification (germline): Likely pathogenic (1 of 4 stars; one submission).

Conditions:
Microcephaly and chorioretinopathy 1. Also called: Microcephaly and chorioretinopathy, autosomal recessive, 1. Identifiers: MedGen C3278481, MONDO:0009624, OMIM 251270.

Submission:

Laboratorio de Genetica e Diagnostico Molecular, Hospital Israelita Albert Einstein
Classification: Likely pathogenic for Microcephaly and chorioretinopathy 1. Last evaluated: 2024-02-23. Review status: criteria provided, single submitter. Criteria: ACMG Guidelines, 2015. Collection method: clinical testing. Allele origin: germline. Affected: yes.
Comment: ACMG classification criteria: PVS1 very strong, PM2 supporting

NM_020461.4(TUBGCP6):c.4174dup (p.Thr1392fs)

Gene: TUBGCP6 (tubulin gamma complex component 6; minus strand). Cytogenetic location: 22q13.33.
Variant type: Duplication.
Coding change: c.4174dup on transcript NM_020461.4 (MANE Select); coding-DNA position 4174, one base duplicated (A; older notation c.4174dupA).
Protein change: p.Thr1392fs; shifts the reading frame from threonine 1392.
Molecular consequence: frameshift variant.
Genome position (GRCh38, 1-based): chr22:50,219,785, T duplicated on the plus strand (A on the coding strand, the reverse complement: TUBGCP6 is on the minus strand). VCF-style (leftmost placement, unchanged base first): chr22-50219784-G-GT. GRCh37 (hg19) VCF-style: chr22-50658213-G-GT.
Other names: short protein forms T1392fs.
Identifiers: ClinVar variation 4076281 (VCV004076281.1).
Genomic context (GRCh38, chr22:50,219,784, plus strand): 5'-TGAGCCTCCGCCGCCGATGCCTCCGCCTCCTCACCACGGCCTGGGCTGCTCTGGGCAGCT[G>GT]TGTCTTCCTAACAAAACACCAGCCTCAGAACCACCTCCCCACTGCACGCTGTCCCCACAA-3'